The following is an entry in ClinVar:

ClinVar aggregate classification (germline): Pathogenic/Likely pathogenic. Review status: criteria provided, multiple submitters, no conflicts (2 of 4 stars). 6 submissions from 6 submitters: Pathogenic (3); Likely pathogenic (1). 2 of the submissions do not count toward it. Last evaluated 2026-08-19.

Conditions:
von Willebrand disease type 3 (VWD3). Also called: Type 3 Von Willebrand's disease; Type 3 VWD; Von Willebrand disease, severe form; V WD3; VON WILLEBRAND DISEASE, TYPE III. Identifiers: Orphanet 166096, MedGen C1264041, MONDO:0010191, OMIM 277480.
Autosomal recessive von Willebrand disease..

Allele frequency attached by ClinVar (database versions not stated): gnomAD exomes below 0.00001; ExAC 0.00001.
gnomAD v4.1: 4 of 1,614,126 alleles (0.00025%); highest among the groups gnomAD compares: South Asian, 0.0022%; no homozygotes.

Submissions (6):

Suma Genomics
Classification: Pathogenic for Autosomal recessive von Willebrand disease.. Last evaluated: 2026-08-19. Review status: criteria provided, single submitter. Criteria: ACMG Guidelines, 2015. Collection method: clinical testing. Allele origin: germline. Inheritance: Autosomal recessive inheritance. Affected: yes. Observed: 1 variant allele, 1 homozygote.
Comment: This variant is observed in four individuals in the gnomAD database in the heterozygous state. ACMG classification: Pathogenic Criteria met: PVS1: Null variant in a gene where loss of function is a known mechanism of disease PM2_Supporting: Extremely low frequency in gnomAD population databases PP1_Strong and PP4: Cosegregation.

GeneDx
Classification: Pathogenic. Last evaluated: 2024-10-10. Review status: criteria provided, single submitter. Criteria: GeneDx Variant Classification Process June 2021. Collection method: clinical testing. Allele origin: germline. Affected: yes.
Comment: Canonical splice site variant predicted to result in a null allele in a gene for which loss of function is a known mechanism of disease; Not observed at significant frequency in large population cohorts (gnomAD); This variant is associated with the following publications: (PMID: 29984440, 31064749, 19500169)

Revvity Omics, Revvity
Classification: Pathogenic. Last evaluated: 2020-11-13. Review status: criteria provided, single submitter. Criteria: ACMG Guidelines, 2015. Collection method: clinical testing. Allele origin: germline.

NIHR Bioresource Rare Diseases, University of Cambridge
Classification: Likely pathogenic for von Willebrand disease type 3. Last evaluated: 2019-02-01. Review status: criteria provided, single submitter. Criteria: ACMG Guidelines, 2015. Collection method: research. Allele origin: unknown. Affected: yes. Observed: 1 homozygote. Study: ThromboGenomics.

Angelo Bianchi Bonomi Hemophilia and Thrombosis Center, Fondazione IRCCS Ca Granda Ospedale Maggiore Policlinico
Classification: Likely pathogenic for von Willebrand disease type 3. Last evaluated: 2020-11-01. Review status: no assertion criteria provided. Collection method: clinical testing. Allele origin: germline. Affected: yes. Study: Type 3 Von Willebrand International Registries Inhibitor Prospective Study (3WINTERS-IPS). Not counted in ClinVar's aggregate classification.
Comment: ClinGen Pathogenicity Calculator

Academic Unit of Haematology, University of Sheffield
No classification provided. Review status: no classification provided. Collection method: not provided. Allele origin: not provided. Not counted in ClinVar's aggregate classification.

Literature cited by the submitters: PubMed 31064749 (cited by NIHR Bioresource Rare Diseases, University of Cambridge).

NM_000552.5(VWF):c.2443-1G>C

Gene: VWF (von Willebrand factor; minus strand). Cytogenetic location: 12p13.31.
Variant type: single nucleotide variant.
Coding change: c.2443-1G>C on transcript NM_000552.5 (MANE Select); the canonical splice acceptor site of the intron before coding-DNA position 2443, G replaced by C.
Molecular consequence: splice acceptor variant.
Genome position (GRCh38, 1-based): chr12:6,036,492, C>G on the plus strand (G>C on the coding strand, the complement: VWF is on the minus strand). VCF-style: chr12-6036492-C-G. GRCh37 (hg19) VCF-style: chr12-6145658-C-G.
Identifiers: ClinVar variation 100222 (VCV000100222.13), dbSNP rs61748480, ClinGen allele CA228342.